The following continues an entry in ClinVar:

NM_003000.3(SDHB):c.343C>T (p.Arg115Ter)

Gene: SDHB. ClinVar aggregate classification (germline): Pathogenic. Pathogenic (15).

Submissions 14 to 18 of 18:

Laboratory for Molecular Medicine, Mass General Brigham Personalized Medicine
Classification: Pathogenic for Hereditary pheochromocytoma and paraganglioma. Last evaluated: 2016-06-22. Review status: criteria provided, single submitter. Criteria: LMM Criteria. Collection method: clinical testing. Allele origin: germline. Inheritance: Autosomal dominant inheritance. Observed: 3 variant alleles.
Comment: The p.Arg115X variant in SDHB has been reported in at least two individuals with hereditary paragangliomas and pheochromocytomas and segregated with disease in 1 affected relative (Bayley 2006, Benn 2006, Lefebvre 2006). It has also been id entified in 2/66740 European chromosomes by the Exome Aggregation Consortium (Ex AC; dbSNP rs751000085). This frequency is low en ough to be consistent with the frequency of hereditary paragangliomas and pheoch romocytomas in the general population. This nonsense variant is predicted to res ult in a premature termination codon at position 115, leading to a truncated or absent protein. Heterozygous loss-of-function variants in the SDHB gene are asso ciated with hereditary paragangliomas and pheochromocytomas. In summary, this va riant meets our criteria to be classified as pathogenic for hereditary paragangl iomas and pheochromocytomas in an autosomal dominant manner based on the predict ed impact to the protein and low frequency in controls.

Eurofins Ntd Llc (ga)
Classification: Pathogenic. Last evaluated: 2015-05-04. Review status: criteria provided, single submitter. Criteria: EGL Classification Definitions 2015. Collection method: clinical testing. Allele origin: germline. Observed: 1 variant allele, 1 heterozygote.

Genome Diagnostics Laboratory, University Medical Center Utrecht
Classification: Pathogenic. Review status: no assertion criteria provided. Collection method: clinical testing. Allele origin: germline. Affected: yes. Study: VKGL Data-share Consensus. Not counted in ClinVar's aggregate classification.

Joint Genome Diagnostic Labs from Nijmegen and Maastricht, Radboudumc and MUMC+
Classification: Pathogenic. Review status: no assertion criteria provided. Collection method: clinical testing. Allele origin: germline. Affected: yes. Study: VKGL Data-share Consensus. Not counted in ClinVar's aggregate classification.

Section on Medical Neuroendocrinolgy, National Institutes of Health
Classification: Pathogenic for Hereditary pheochromocytoma and paraganglioma. Review status: no assertion criteria provided. Collection method: research. Allele origin: germline. Affected: yes. Not counted in ClinVar's aggregate classification.

Literature cited by the submitters: PubMed 16405730 (cited by 6 submitters); PubMed 24523625 (cited by 4 submitters); PubMed 25047027 (cited by 3 submitters); PubMed 28490599 (cited by 4 submitters); PubMed 25683602 (cited by Ambry Genetics); PubMed 25873086 (cited by Ambry Genetics); PubMed 28374168 (cited by Ambry Genetics); PubMed 29386252 (cited by Ambry Genetics and All of Us Research Program, National Institutes of Health); PubMed 30050099 (cited by Ambry Genetics and Women's Health and Genetics/Laboratory Corporation of America, LabCorp); PubMed 30201732 (cited by Ambry Genetics); PubMed 30352407 (cited by Ambry Genetics and All of Us Research Program, National Institutes of Health); PubMed 19454582 (cited by Labcorp Genetics (formerly Invitae), Labcorp and Johns Hopkins Genomics, Johns Hopkins University); PubMed 19802898 (cited by Labcorp Genetics (formerly Invitae), Labcorp and Johns Hopkins Genomics, Johns Hopkins University); PubMed 21348866 (cited by Labcorp Genetics (formerly Invitae), Labcorp); PubMed 16258955 (cited by All of Us Research Program, National Institutes of Health); PubMed 19389109 (cited by All of Us Research Program, National Institutes of Health); PubMed 31666924 (cited by All of Us Research Program, National Institutes of Health); PubMed 32688340 (cited by All of Us Research Program, National Institutes of Health); PubMed 16317055 (cited by Women's Health and Genetics/Laboratory Corporation of America, LabCorp and Laboratory for Molecular Medicine, Mass General Brigham Personalized Medicine); PubMed 17200167 (cited by Women's Health and Genetics/Laboratory Corporation of America, LabCorp); PubMed 25151137 (cited by Women's Health and Genetics/Laboratory Corporation of America, LabCorp).